The following is an entry in ClinVar:

NM_024529.5(CDC73):c.729+2681_729+2682delinsGT

Gene: CDC73 (cell division cycle 73; plus strand). Cytogenetic location: 1q31.2.
Variant type: Indel.
Coding change: c.729+2681_729+2682delinsGT on transcript NM_024529.5 (MANE Select); bases 2681 to 2682 of the intron after coding-DNA position 729, TG replaced by GT.
Molecular consequence: intron variant.
Genome position (GRCh38, 1-based): chr1:193,144,747-193,144,748, TG replaced by GT. VCF-style: chr1-193144747-TG-GT. GRCh37 (hg19) VCF-style: chr1-193113877-TG-GT.
Identifiers: ClinVar variation 3265067 (VCV003265067.1).

ClinVar aggregate classification (germline): Uncertain significance (1 of 4 stars; one submission).

Conditions:
Hereditary cancer-predisposing syndrome. Also called: Hereditary Cancer Syndrome; Tumor predisposition; Hereditary neoplastic syndrome; Neoplastic Syndromes, Hereditary. Identifiers: Orphanet 140162, MedGen C0027672, MeSH D009386, MONDO:0015356.

Submission:

Ambry Genetics
Classification: Uncertain significance for Hereditary cancer-predisposing syndrome. Last evaluated: 2024-06-05. Review status: criteria provided, single submitter. Criteria: Ambry Variant Classification Scheme 2023. Collection method: clinical testing. Allele origin: germline.
Comment: The c.729+2681_729+2682delTGinsGT intronic variant, located in intron 7 of the CDC73 gene, results from the deletion of two nucleotides and the insertion of two nucleotides at nucleotide position c.729+2681_729+2682. This nucleotide position is well conserved in available vertebrate species. In silico splice site analysis predicts that this alteration will result in the creation or strengthening of a novel splice donor site. RNA studies have demonstrated that this alteration results in a transcript predicted to lead to a protein with an in-frame insertion of 18 amino acids; however, the exact functional impact of the inserted amino acids is unknown at this time (Ambry internal data). Based on the available evidence, the clinical significance of this variant remains unclear.